The following is an entry in ClinVar:

NM_133379.5(TTN):c.13013A>G (p.His4338Arg)

Gene: TTN (titin; minus strand). Cytogenetic location: 2q31.2.
Variant type: single nucleotide variant.
Coding change: c.13013A>G on transcript NM_133379.5; coding-DNA position 13013, A replaced by G.
Protein change: p.His4338Arg; replaces histidine 4338 with arginine.
Molecular consequence: missense variant. On other transcripts: intron variant (6).
Genome position (GRCh38, 1-based): chr2:178,749,387, T>C on the plus strand (A>G on the coding strand, the complement: TTN is on the minus strand). VCF-style: chr2-178749387-T-C. GRCh37 (hg19) VCF-style: chr2-179614114-T-C.
Other names: c.10222+3737A>G (NM_003319.4); c.10798+3737A>G (NM_133437.4); c.10597+3737A>G (NM_133432.3); c.10360+3737A>G (NM_133378.4, NM_001256850.1); c.11311+3737A>G (NM_001267550.2); short protein forms H4338R.
Identifiers: ClinVar variation 229580 (VCV000229580.10), dbSNP rs140583865, ClinGen allele CA10576568.
Genomic context (GRCh38, chr2:178,749,387, plus strand): 5'-TGACATTGTATGAATTCAGCCCTGATGGGCTTGCTGATTTTTATGGTTCTTGAAGCACCA[T>C]GCACAAATCTGGGAATTTTTTCTCTAGAAGGTATGCAACGCACCTGCTCTTTCTGGTCTA-3'

ClinVar aggregate classification (germline): Uncertain significance. Review status: criteria provided, multiple submitters, no conflicts (2 of 4 stars). 3 submissions from 3 submitters: Uncertain significance (3). Last evaluated 2026-02-03.

Conditions:
TTN-related disorder. Also called: TTN-related disorders; TTN-related condition; TTN-related disease.

Allele frequency attached by ClinVar (database versions not stated): gnomAD 0.00001; gnomAD exomes 0.00001; TOPMed 0.00005; ESP Exome Variant Server 0.00015.
gnomAD v4.1: 9 of 1,613,066 alleles (0.00056%); highest among the groups gnomAD compares: Non-Finnish European, 0.00076%; no homozygotes.

Submissions (3):

PreventionGenetics, part of Exact Sciences
Classification: Uncertain significance for TTN-related condition. Last evaluated: 2026-02-03. Review status: criteria provided, single submitter. Criteria: ACMG Guidelines, 2015. Collection method: clinical testing. Allele origin: germline.
Comment: The TTN c.11311+3737A>G variant is predicted to interfere with splicing. This variant is also referred to as c.13013A>G (p.His4338Arg) in the Novex-3 transcript NM_133379. This variant is located in exon 46 of the Novex-3 transcript (minor small cardiac isoform) which is the last exon of this transcript. This exon is not included in any other TTN transcripts (principle cardiac or skeletal muscle isoforms). To our knowledge, this variant has not been reported in the literature. This variant is reported in 0.0023% of alleles in individuals of European (Non-Finnish) descent in gnomAD. At this time, the clinical significance of this variant is uncertain due to the absence of conclusive functional and genetic evidence.

Eurofins Ntd Llc (ga)
Classification: Uncertain significance. Last evaluated: 2017-08-25. Review status: criteria provided, single submitter. Criteria: EGL Classification Definitions 2015. Collection method: clinical testing. Allele origin: germline. Observed: 1 variant allele, 1 heterozygote.

Laboratory for Molecular Medicine, Mass General Brigham Personalized Medicine
Classification: Uncertain significance. Last evaluated: 2015-03-21. Review status: criteria provided, single submitter. Criteria: LMM Criteria. Collection method: clinical testing. Allele origin: germline. Observed: 1 variant allele.
Comment: The p.His4338Arg variant in TTN has not been previously reported in individuals with cardiomyopathy, but has been identified in 2/8594 European American chromos omes by the NHLBI Exome Sequencing Project (d bSNP rs140583865). Computational prediction tools and conservation analysis are limited or unavailable for this variant. In summary, the clinical significance o f the p.His4338Arg variant is uncertain.